The following is an entry in ClinVar:

NM_001034116.2(EIF2B4):c.325del (p.Glu109fs)

Gene: EIF2B4 (eukaryotic translation initiation factor 2B subunit delta; minus strand). Cytogenetic location: 2p23.3.
Variant type: Deletion.
Coding change: c.325del on transcript NM_001034116.2 (MANE Select); coding-DNA position 325, one base deleted (G; older notation c.325delG).
Protein change: p.Glu109fs; shifts the reading frame from glutamic acid 109.
Molecular consequence: frameshift variant. On other transcripts: 5 prime UTR variant (2).
Genome position (GRCh38, 1-based): chr2:27,369,099, C deleted on the plus strand (G on the coding strand, the reverse complement: EIF2B4 is on the minus strand); the first of 2 consecutive C bases (chr2:27,369,099-27,369,100); deleting either gives the same sequence. VCF-style (leftmost placement, unchanged base first): chr2-27369098-TC-T. GRCh37 (hg19) VCF-style: chr2-27591965-TC-T.
Other names: c.388del, p.Glu130fs (NM_001318965.2); c.280del, p.Glu94fs (NM_001318966.2); c.232del, p.Glu78fs (NM_001318967.2); c.-191del (NM_001318968.2); c.-268del (NM_001318969.2); c.322del, p.Glu108fs (NM_015636.4); c.385del, p.Glu129fs (NM_172195.4); short protein forms E109fs, E108fs, E130fs, E78fs, E129fs, E94fs.
Identifiers: ClinVar variation 2704520 (VCV002704520.3), dbSNP rs2465525224, ClinGen allele CA2697547932.

ClinVar aggregate classification (germline): Pathogenic (1 of 4 stars; one submission).

Submission:

Labcorp Genetics (formerly Invitae), Labcorp
Classification: Pathogenic. Last evaluated: 2023-12-26. Review status: criteria provided, single submitter. Criteria: Invitae Variant Classification Sherloc (09022015). Collection method: clinical testing. Allele origin: germline.
Comment: This sequence change creates a premature translational stop signal (p.Glu108Argfs*6) in the EIF2B4 gene. It is expected to result in an absent or disrupted protein product. Loss-of-function variants in EIF2B4 are known to be pathogenic (PMID: 11835386, 15776425, 16807905). This variant is not present in population databases (gnomAD no frequency). This variant has not been reported in the literature in individuals affected with EIF2B4-related conditions. For these reasons, this variant has been classified as Pathogenic.

Literature cited by the submitters: PubMed 11835386; PubMed 15776425; PubMed 16807905.